The following is an entry in ClinVar:

NM_001184.4(ATR):c.2884C>G (p.Gln962Glu)

Gene: ATR (ATR checkpoint kinase; minus strand). Cytogenetic location: 3q23.
Variant type: single nucleotide variant.
Coding change: c.2884C>G on transcript NM_001184.4 (MANE Select); coding-DNA position 2884, C replaced by G.
Protein change: p.Gln962Glu; replaces glutamine 962 with glutamic acid.
Molecular consequence: missense variant.
Genome position (GRCh38, 1-based): chr3:142,550,224, G>C on the plus strand (C>G on the coding strand, the complement: ATR is on the minus strand). VCF-style: chr3-142550224-G-C. GRCh37 (hg19) VCF-style: chr3-142269066-G-C.
Other names: c.2692C>G, p.Gln898Glu (NM_001354579.2); short protein forms Q898E, Q962E.
Identifiers: ClinVar variation 2567846 (VCV002567846.2), dbSNP rs1273916434, ClinGen allele CA354812934.

ClinVar aggregate classification (germline): Uncertain significance (1 of 4 stars; one submission).

Conditions:
Inborn genetic diseases. Identifiers: MedGen C0950123, MeSH D030342.

Allele frequency attached by ClinVar (database versions not stated): TOPMed below 0.00001; gnomAD 0.00001.
gnomAD v4.1: 1 of 1,614,020 alleles (0.000062%); highest among the groups gnomAD compares: African/African-American, 0.0013%; no homozygotes.

Submission:

Ambry Genetics
Classification: Uncertain significance for Inborn genetic diseases. Last evaluated: 2023-06-01. Review status: criteria provided, single submitter. Criteria: Ambry Variant Classification Scheme 2023. Collection method: clinical testing. Allele origin: germline.
Comment: The p.Q962E variant (also known as c.2884C>G), located in coding exon 14 of the ATR gene, results from a C to G substitution at nucleotide position 2884. The glutamine at codon 962 is replaced by glutamic acid, an amino acid with highly similar properties. This amino acid position is conserved. In addition, this alteration is predicted to be tolerated by in silico analysis. Since supporting evidence is limited at this time, the clinical significance of this alteration remains unclear.